The following is an entry in ClinVar:

ClinVar aggregate classification (germline): Uncertain significance. Review status: criteria provided, single submitter (1 of 4 stars). 2 submissions from 2 submitters: Uncertain significance (1). 1 of the submissions does not count toward it. Last evaluated 2022-03-21.

Conditions:
Autism spectrum disorder. Also called: Autism spectrum disorders. Identifiers: MedGen C1510586, MeSH D000067877, MONDO:0005258.
Inborn genetic diseases. Identifiers: MedGen C0950123, MeSH D030342.

Allele frequency attached by ClinVar (database versions not stated): gnomAD 0.00001; TOPMed below 0.00001; gnomAD exomes 0.00001; ExAC 0.00004.
gnomAD v4.1: 10 of 1,559,620 alleles (0.00064%); highest among the groups gnomAD compares: Non-Finnish European, 0.00087%; no homozygotes.

Submissions (3):

Ambry Genetics
Classification: Uncertain significance for Inborn genetic diseases. Last evaluated: 2022-03-21. Review status: criteria provided, single submitter. Criteria: Ambry Variant Classification Scheme 2023. Collection method: clinical testing. Allele origin: germline.
Comment: This region of the gene is excluded from other biologically relevant transcripts Based on insufficient or conflicting evidence, the clinical significance of this alteration remains unclear.

Dr. Peter K. Rogan Lab, Western University
No classification provided (evidence only). Condition: Uterine corpus endometrial carcinoma. Review status: no classification provided. Collection method: in vitro. Allele origin: not applicable. Functional consequence: retained intron. Not counted in ClinVar's aggregate classification.

University of Washington Center for Mendelian Genomics, University of Washington
Classification: association for Autism spectrum disorder. Review status: no assertion criteria provided. Collection method: research. Allele origin: inherited. Affected: yes. Not counted in ClinVar's aggregate classification.

Literature cited by the submitters: PubMed 30504930 (cited by Ambry Genetics and University of Washington Center for Mendelian Genomics, University of Washington).

NM_001365.5(DLG4):c.20-1G>C

Genes: ACADVL (acyl-CoA dehydrogenase very long chain; plus strand), DLG4 (discs large MAGUK scaffold protein 4; minus strand). Cytogenetic location: 17p13.1.
Variant type: single nucleotide variant.
Coding change: c.20-1G>C on transcript NM_001365.5 (MANE Plus Clinical); the canonical splice acceptor site of the intron before coding-DNA position 20, G replaced by C.
Molecular consequence: splice acceptor variant. On other transcripts: intron variant (1).
Genome position (GRCh38, 1-based): chr17:7,218,640, C>G on the plus strand (G>C on the coding strand, the complement: DLG4 is on the minus strand). VCF-style: chr17-7218640-C-G. GRCh37 (hg19) VCF-style: chr17-7121959-C-G.
Other names: NC_000017.10:g.7121959C>G; c.20-1G>C (NM_001321074.1, NM_001365.3); c.131+822C>G (NM_001270447.2).
Identifiers: ClinVar variation 996649 (VCV000996649.7), dbSNP rs759282824, ClinGen allele CA8337434.